The following is an entry in ClinVar:

NM_006254.4(PRKCD):c.581C>T (p.Ala194Val)

Gene: PRKCD (protein kinase C delta; plus strand). Cytogenetic location: 3p21.1.
Variant type: single nucleotide variant.
Coding change: c.581C>T on transcript NM_006254.4 (MANE Select); coding-DNA position 581, C replaced by T.
Protein change: p.Ala194Val; replaces alanine 194 with valine.
Molecular consequence: missense variant.
Genome position (GRCh38, 1-based): chr3:53,183,130, C>T. VCF-style: chr3-53183130-C-T. GRCh37 (hg19) VCF-style: chr3-53217146-C-T.
Other names: c.581C>T, p.Ala194Val (NM_001316327.2, NM_001354679.2, NM_001354680.2 and 1 more transcripts); c.638C>T, p.Ala213Val (NM_001354676.2); c.629C>T, p.Ala210Val (NM_001354678.2); c.581C>T (NM_006254.3); short protein forms A194V, A210V, A213V.
Identifiers: ClinVar variation 1524042 (VCV001524042.9), dbSNP rs1553668112, ClinGen allele CA353219729.

ClinVar aggregate classification (germline): Uncertain significance. Review status: criteria provided, multiple submitters, no conflicts (2 of 4 stars). 2 submissions from 2 submitters: Uncertain significance (2). Last evaluated 2024-12-31.

Conditions:
Autoimmune lymphoproliferative syndrome, type III caused by mutation in PRKCD. Identifiers: Orphanet 3261, Orphanet 664711, MedGen C3809928, MONDO:8000024, OMIM 615559.
PRKCD-related disorder. Also called: PRKCD-related condition.

Allele frequency attached by ClinVar (database versions not stated): gnomAD exomes below 0.00001 and 0.00001.
gnomAD v4.1: 17 of 1,614,200 alleles (0.0011%); highest among the groups gnomAD compares: Non-Finnish European, 0.0014%; no homozygotes.

Submissions (2):

PreventionGenetics, part of Exact Sciences
Classification: Uncertain significance for PRKCD-related condition. Last evaluated: 2024-12-31. Review status: criteria provided, single submitter. Criteria: ACMG Guidelines, 2015. Collection method: clinical testing. Allele origin: germline.
Comment: The PRKCD c.581C>T variant is predicted to result in the amino acid substitution p.Ala194Val. To our knowledge, this variant has not been reported in the literature. This variant is reported in 0.00088% of alleles in individuals of European (Non-Finnish) descent in gnomAD. At this time, the clinical significance of this variant is uncertain due to the absence of conclusive functional and genetic evidence.

Labcorp Genetics (formerly Invitae), Labcorp
Classification: Uncertain significance for Autoimmune lymphoproliferative syndrome, type III caused by mutation in PRKCD. Last evaluated: 2021-04-08. Review status: criteria provided, single submitter. Criteria: Invitae Variant Classification Sherloc (09022015). Collection method: clinical testing. Allele origin: germline.
Comment: In summary, the available evidence is currently insufficient to determine the role of this variant in disease. Therefore, it has been classified as a Variant of Uncertain Significance. Algorithms developed to predict the effect of missense changes on protein structure and function (SIFT, PolyPhen-2, Align-GVGD) all suggest that this variant is likely to be disruptive, but these predictions have not been confirmed by published functional studies and their clinical significance is uncertain. This variant has not been reported in the literature in individuals with PRKCD-related conditions. This variant is not present in population databases (ExAC no frequency). This sequence change replaces alanine with valine at codon 194 of the PRKCD protein (p.Ala194Val). The alanine residue is highly conserved and there is a small physicochemical difference between alanine and valine.